The following is an entry in ClinVar:

NM_000037.4(ANK1):c.2755del (p.Val919fs)

Gene: ANK1 (ankyrin 1; minus strand). Cytogenetic location: 8p11.21.
Variant type: Deletion.
Coding change: c.2755del on transcript NM_000037.4 (MANE Select); coding-DNA position 2755, one base deleted (G; older notation c.2755delG).
Protein change: p.Val919fs; shifts the reading frame from valine 919.
Molecular consequence: frameshift variant.
Genome position (GRCh38, 1-based): chr8:41,696,568, C deleted on the plus strand (G on the coding strand, the reverse complement: ANK1 is on the minus strand); the first of 2 consecutive C bases (chr8:41,696,568-41,696,569); deleting either gives the same sequence. VCF-style (leftmost placement, unchanged base first): chr8-41696567-AC-A. GRCh37 (hg19) VCF-style: chr8-41554085-AC-A.
Other names: p.Val919Leufs*8; c.2878del, p.Val960fs (NM_001142446.2); c.2755del, p.Val919fs (NM_020475.3, NM_020476.3, NM_020477.3); short protein forms V919fs, V960fs.
Identifiers: ClinVar variation 3381038 (VCV003381038.1).
Genomic context (GRCh38, chr8:41,696,567, plus strand): 5'-GGGATCACCACTCGCAGGCCGTTGTGGCGACTTCCTCTCATGGAACCACCCCGGGCGTCA[AC>A]CATGAAGCTCACCAGAAACCTAGGAGTGGGGCAGATGCACGTTGGGCTTCTGCATCCCCT-3'

ClinVar aggregate classification (germline): Likely pathogenic (1 of 4 stars; one submission).

Submission:

Mayo Clinic Laboratories, Mayo Clinic
Classification: Likely pathogenic. Last evaluated: 2024-08-20. Review status: criteria provided, single submitter. Criteria: ACMG Guidelines, 2015. Collection method: clinical testing. Allele origin: germline. Observed: 1 variant allele.
Comment: PM2, PVS1